The following is an entry in ClinVar:

NM_004415.4(DSP):c.3625A>C (p.Lys1209Gln)

Gene: DSP (desmoplakin; plus strand). Cytogenetic location: 6p24.3.
Variant type: single nucleotide variant.
Coding change: c.3625A>C on transcript NM_004415.4 (MANE Select); coding-DNA position 3625, A replaced by C.
Protein change: p.Lys1209Gln; replaces lysine 1209 with glutamine.
Molecular consequence: missense variant. On other transcripts: intron variant (1).
Genome position (GRCh38, 1-based): chr6:7,579,815, A>C. VCF-style: chr6-7579815-A-C. GRCh37 (hg19) VCF-style: chr6-7580048-A-C.
Other names: c.3625A>C, p.Lys1209Gln (NM_001319034.2); c.3582+43A>C (NM_001008844.3); short protein forms K1209Q.
Identifiers: ClinVar variation 1020134 (VCV001020134.14), dbSNP rs1283110287, ClinGen allele CA362684491.

ClinVar aggregate classification (germline): Conflicting classifications of pathogenicity. Review status: criteria provided, conflicting classifications (1 of 4 stars). 4 submissions from 4 submitters: Uncertain significance (3); Likely benign (1). Last evaluated 2026-01-25.

Conditions:
Arrhythmogenic cardiomyopathy with wooly hair and keratoderma. Also called: Dilated cardiomyopathy with woolly hair and keratoderma; Carvajal syndrome; Arrhythmogenic cardiomyopathy with woolly hair and keratoderma; PALMOPLANTAR KERATODERMA WITH LEFT VENTRICULAR CARDIOMYOPATHY AND WOOLLY HAIR. Identifiers: Orphanet 65282, MedGen C1854063, MONDO:0011581, OMIM 605676.
Arrhythmogenic right ventricular dysplasia 8 (ARVD8). Also called: ARRHYTHMOGENIC RIGHT VENTRICULAR DYSPLASIA, FAMILIAL, 8; Arrhythmogenic Right Ventricular Dysplasia/Cardiomyopathy 8; ARRHYTHMOGENIC RIGHT VENTRICULAR CARDIOMYOPATHY 8. Identifiers: MedGen C1843896, MONDO:0011831, OMIM 607450.
Cardiomyopathy (CMYO). Also called: Cardiomyopathies. Identifiers: Orphanet 167848, MedGen C0878544, MONDO:0004994, HP:0001638. Inheritance: Various modes of inheritance.

Allele frequency attached by ClinVar (database versions not stated): gnomAD exomes below 0.00001 and 0.00001; TOPMed 0.00001.
gnomAD v4.1: 3 of 1,614,182 alleles (0.00019%); highest among the groups gnomAD compares: Admixed American, 0.0017%; no homozygotes.

Submissions (4):

Labcorp Genetics (formerly Invitae), Labcorp
Classification: Likely benign for Arrhythmogenic cardiomyopathy with wooly hair and keratoderma; Arrhythmogenic right ventricular dysplasia 8. Last evaluated: 2026-01-25. Review status: criteria provided, single submitter. Criteria: Invitae Variant Classification Sherloc (09022015). Collection method: clinical testing. Allele origin: germline.

Women's Health and Genetics/Laboratory Corporation of America, LabCorp
Classification: Uncertain significance. Last evaluated: 2025-04-29. Review status: criteria provided, single submitter. Criteria: LabCorp Variant Classification Summary - May 2015. Collection method: clinical testing. Allele origin: germline.

All of Us Research Program, National Institutes of Health
Classification: Uncertain significance for Arrhythmogenic cardiomyopathy with wooly hair and keratoderma. Last evaluated: 2024-09-23. Review status: criteria provided, single submitter. Criteria: ACMG Guidelines, 2015. Collection method: clinical testing. Allele origin: germline. Inheritance: Autosomal dominant inheritance. Observed: 4 variant alleles, 4 heterozygotes.
Comment: This missense variant replaces lysine with glutamine at codon 1209 of the DSP protein. Computational prediction suggests that this variant may not impact protein structure and function (internally defined REVEL score threshold <= 0.5, PMID: 27666373). To our knowledge, functional studies have not been reported for this variant. This variant has not been reported in individuals affected with DSP-related disorders in the literature. This variant has been identified in 1/251172 chromosomes in the general population by the Genome Aggregation Database (gnomAD). The available evidence is insufficient to determine the role of this variant in disease conclusively. Therefore, this variant is classified as a Variant of Uncertain Significance.

This study involves interpretation of variants in research participants for the purpose of population health screening. Participant phenotype was not available at the time of variant classification. Additional details can be found in publication PMID: 35346344, PMCID: PMC8962531

Color Diagnostics, LLC DBA Color Health
Classification: Uncertain significance for Cardiomyopathy. Last evaluated: 2022-11-06. Review status: criteria provided, single submitter. Criteria: ACMG Guidelines, 2015. Collection method: clinical testing. Allele origin: germline.
Comment: This missense variant replaces lysine with glutamine at codon 1209 of the DSP protein. Computational prediction suggests that this variant may not impact protein structure and function (internally defined REVEL score threshold <= 0.5, PMID: 27666373). To our knowledge, functional studies have not been reported for this variant. This variant has not been reported in individuals affected with DSP-related disorders in the literature. This variant has been identified in 1/251172 chromosomes in the general population by the Genome Aggregation Database (gnomAD). The available evidence is insufficient to determine the role of this variant in disease conclusively. Therefore, this variant is classified as a Variant of Uncertain Significance.